The following is an entry in ClinVar:

NM_000268.4(NF2):c.339C>T (p.Ile113=)

Gene: NF2 (NF2, moesin-ezrin-radixin like (MERLIN) tumor suppressor; plus strand). Cytogenetic location: 22q12.2.
Variant type: single nucleotide variant.
Coding change: c.339C>T on transcript NM_000268.4 (MANE Select); coding-DNA position 339, C replaced by T.
Protein change: p.Ile113=; no amino-acid change (isoleucine 113 retained).
Molecular consequence: synonymous variant. On other transcripts: non-coding transcript variant (1), intron variant (3).
Genome position (GRCh38, 1-based): chr22:29,639,188, C>T. VCF-style: chr22-29639188-C-T. GRCh37 (hg19) VCF-style: chr22-30035177-C-T.
Other names: c.339C>T, p.Ile113= (NM_016418.5, NM_181825.3, NM_181832.3 and 1 more transcripts); c.213C>T, p.Ile71= (NM_181828.3); c.240+2312C>T (NM_181829.3); c.115-3014C>T (NM_181830.3, NM_181831.3).
Identifiers: ClinVar variation 1139712 (VCV001139712.13), dbSNP rs2065732712, ClinGen allele CA514191703.

ClinVar aggregate classification (germline): Likely benign. Review status: criteria provided, multiple submitters, no conflicts (2 of 4 stars). 4 submissions from 4 submitters: Likely benign (4). Last evaluated 2025-12-02.

Conditions:
Neurofibromatosis, type 2 (SWNV). Also called: BILATERAL ACOUSTIC NEUROFIBROMATOSIS; NF2-Related Schwannomatosis; SCHWANNOMATOSIS, VESTIBULAR. Identifiers: Orphanet 637, MedGen C0027832, MONDO:0007039, OMIM 101000. Disease mechanism: loss of function.
Hereditary cancer-predisposing syndrome. Also called: Tumor predisposition; Hereditary Cancer Syndrome; Hereditary neoplastic syndrome; Neoplastic Syndromes, Hereditary. Identifiers: Orphanet 140162, MedGen C0027672, MeSH D009386, MONDO:0015356.

Submissions (4):

Labcorp Genetics (formerly Invitae), Labcorp
Classification: Likely benign for Neurofibromatosis, type 2. Last evaluated: 2025-12-02. Review status: criteria provided, single submitter. Criteria: Invitae Variant Classification Sherloc (09022015). Collection method: clinical testing. Allele origin: germline.

All of Us Research Program, National Institutes of Health
Classification: Likely benign for Neurofibromatosis, type 2. Last evaluated: 2023-11-20. Review status: criteria provided, single submitter. Criteria: ACMG Guidelines, 2015. Collection method: clinical testing. Allele origin: germline. Inheritance: Autosomal dominant inheritance. Observed: 1 variant allele, 1 heterozygote.
Comment: This study involves interpretation of variants in research participants for the purpose of population health screening. Participant phenotype was not available at the time of variant classification. Additional details can be found in publication PMID: 35346344, PMCID: PMC8962531

Color Diagnostics, LLC DBA Color Health
Classification: Likely benign for Neurofibromatosis, type 2. Last evaluated: 2023-09-27. Review status: criteria provided, single submitter. Criteria: ACMG Guidelines, 2015. Collection method: clinical testing. Allele origin: germline.

Ambry Genetics
Classification: Likely benign for Hereditary cancer-predisposing syndrome. Last evaluated: 2020-12-08. Review status: criteria provided, single submitter. Criteria: Ambry Variant Classification Scheme 2023. Collection method: clinical testing. Allele origin: germline.